The following is an entry in ClinVar:

NM_014391.3(ANKRD1):c.751-3T>C

Gene: ANKRD1 (ankyrin repeat domain 1; minus strand). Cytogenetic location: 10q23.31.
Variant type: single nucleotide variant.
Coding change: c.751-3T>C on transcript NM_014391.3 (MANE Select); 3 bases into the intron before coding-DNA position 751, T replaced by C.
Molecular consequence: intron variant.
Genome position (GRCh38, 1-based): chr10:90,915,644, A>G on the plus strand (T>C on the coding strand, the complement: ANKRD1 is on the minus strand). VCF-style: chr10-90915644-A-G. GRCh37 (hg19) VCF-style: chr10-92675401-A-G.
Other names: c.751-3T>C (NM_014391.2).
Identifiers: ClinVar variation 1036951 (VCV001036951.9), dbSNP rs370493814, ClinGen allele CA5598612.
Genomic context (GRCh38, chr10:90,915,644, plus strand): 5'-GTCGGATCATCTTATAGCGGTTCAGTCTCACCGCATCATGCAACGGGGTATCTCCTTCCT[A>G]GAGAAGCAGAGTCAACAGGTTCAAGGTGGGTCTGAGGCCAGGAAGTGGGTCCTGCAAGGG-3'

ClinVar aggregate classification (germline): Uncertain significance. Review status: criteria provided, multiple submitters, no conflicts (2 of 4 stars). 2 submissions from 2 submitters: Uncertain significance (2). Last evaluated 2026-01-20.

Conditions:
Cardiovascular phenotype. Identifiers: MedGen CN230736.
ANKRD1-related dilated cardiomyopathy. Identifiers: MedGen CN119551.

Allele frequency attached by ClinVar (database versions not stated): ExAC 0.00001; gnomAD 0.00001; gnomAD exomes 0.00001; TOPMed 0.00001; ESP Exome Variant Server 0.00008.
gnomAD v4.1: 6 of 1,613,204 alleles (0.00037%); highest among the groups gnomAD compares: African/African-American, 0.004%; no homozygotes.

Submissions (2):

Ambry Genetics
Classification: Uncertain significance for Cardiovascular phenotype. Last evaluated: 2026-01-20. Review status: criteria provided, single submitter. Criteria: Ambry Variant Classification Scheme 2023. Collection method: clinical testing. Allele origin: germline.
Comment: The c.751-3T>C intronic variant results from a T to C substitution 3 nucleotides before coding exon 8 in the ANKRD1 gene. This nucleotide position is not well conserved in available vertebrate species. In silico splice site analysis predicts that this alteration will not have any significant effect on splicing. The evidence for this gene-disease relationship is limited; therefore, the clinical significance of this variant is unclear.

Labcorp Genetics (formerly Invitae), Labcorp
Classification: Uncertain significance for ANKRD1-related dilated cardiomyopathy. Last evaluated: 2022-04-30. Review status: criteria provided, single submitter. Criteria: Invitae Variant Classification Sherloc (09022015). Collection method: clinical testing. Allele origin: germline.
Comment: This variant is present in population databases (rs370493814, gnomAD 0.004%). This sequence change falls in intron 7 of the ANKRD1 gene. It does not directly change the encoded amino acid sequence of the ANKRD1 protein. It affects a nucleotide within the consensus splice site. This variant has not been reported in the literature in individuals affected with ANKRD1-related conditions. ClinVar contains an entry for this variant (Variation ID: 1036951). Variants that disrupt the consensus splice site are a relatively common cause of aberrant splicing (PMID: 17576681, 9536098). Algorithms developed to predict the effect of sequence changes on RNA splicing suggest that this variant is not likely to affect RNA splicing. In summary, the available evidence is currently insufficient to determine the role of this variant in disease. Therefore, it has been classified as a Variant of Uncertain Significance.

Literature cited by the submitters: PubMed 17576681 (cited by Labcorp Genetics (formerly Invitae), Labcorp); PubMed 9536098 (cited by Labcorp Genetics (formerly Invitae), Labcorp).